The following is an entry in ClinVar:

ClinVar aggregate classification (germline): Likely benign (1 of 4 stars; one submission).

Allele frequency attached by ClinVar (database versions not stated): gnomAD exomes below 0.00001.
gnomAD v4.1: 1 of 1,614,064 alleles (0.000062%); highest among the groups gnomAD compares: Non-Finnish European, 0.000085%; no homozygotes.

Submission:

CeGaT Center for Human Genetics Tuebingen
Classification: Likely benign. Last evaluated: 2023-02-01. Review status: criteria provided, single submitter. Criteria: CeGaT Center For Human Genetics Tuebingen Variant Classification Criteria Version 2. Collection method: clinical testing. Allele origin: germline. Affected: yes. Observed: 1 variant allele.
Comment: NLRP7: PM2:Supporting, BP4, BP7

NM_001127255.2(NLRP7):c.3069T>C (p.Asn1023=)

Genes: NCR1 (natural cytotoxicity triggering receptor 1), NLRP7 (NLR family pyrin domain containing 7; minus strand). Cytogenetic location: 19q13.42.
Variant type: single nucleotide variant.
Coding change: c.3069T>C on transcript NM_001127255.2 (MANE Select); coding-DNA position 3069, T replaced by C.
Protein change: p.Asn1023=; no amino-acid change (asparagine 1023 retained).
Molecular consequence: synonymous variant.
Genome position (GRCh38, 1-based): chr19:54,923,785, A>G on the plus strand (T>C on the coding strand, the complement: NLRP7 is on the minus strand). VCF-style: chr19-54923785-A-G. GRCh37 (hg19) VCF-style: chr19-55435153-A-G.
Other names: c.3069T>C, p.Asn1023= (NM_001405531.1); c.2985T>C, p.Asn995= (NM_139176.4); c.2898T>C, p.Asn966= (NM_206828.4).
Identifiers: ClinVar variation 2650496 (VCV002650496.24), dbSNP rs2515645248, ClinGen allele CA2576889617.